The following is an entry in ClinVar:

ClinVar aggregate classification (germline): Uncertain significance (1 of 4 stars; one submission).

Conditions:
Osteogenesis imperfecta type I (OI1). Also called: OI, TYPE I; OSTEOGENESIS IMPERFECTA TARDA; OSTEOGENESIS IMPERFECTA WITH BLUE SCLERAE; Osteogenesis imperfecta type 1; Lobstein's Disease; Lobstein disease. Identifiers: Orphanet 216796, Orphanet 666, MedGen C0023931, MONDO:0008146, OMIM 166200. Disease mechanism: loss of function.

Allele frequency attached by ClinVar (database versions not stated): gnomAD exomes 0.00001; TOPMed below 0.00001; gnomAD 0.00001.
gnomAD v4.1: 13 of 1,613,928 alleles (0.00081%); highest among the groups gnomAD compares: Non-Finnish European, 0.001%; no homozygotes.

Submission:

Labcorp Genetics (formerly Invitae), Labcorp
Classification: Uncertain significance for Osteogenesis imperfecta type I. Last evaluated: 2024-08-27. Review status: criteria provided, single submitter. Criteria: Invitae Variant Classification Sherloc (09022015). Collection method: clinical testing. Allele origin: germline.
Comment: This sequence change falls in intron 18 of the COL1A1 gene. It does not directly change the encoded amino acid sequence of the COL1A1 protein. It affects a nucleotide within the consensus splice site. This variant is present in population databases (no rsID available, gnomAD 0.002%). This variant has not been reported in the literature in individuals affected with COL1A1-related conditions. Variants that disrupt the consensus splice site are a relatively common cause of aberrant splicing (PMID: 17576681, 9536098). Algorithms developed to predict the effect of sequence changes on RNA splicing suggest that this variant is not likely to affect RNA splicing. In summary, the available evidence is currently insufficient to determine the role of this variant in disease. Therefore, it has been classified as a Variant of Uncertain Significance.

Literature cited by the submitters: PubMed 17576681; PubMed 9536098.

NM_000088.4(COL1A1):c.1200+3A>G

Gene: COL1A1 (collagen type I alpha 1 chain; minus strand). Cytogenetic location: 17q21.33.
Variant type: single nucleotide variant.
Coding change: c.1200+3A>G on transcript NM_000088.4 (MANE Select); 3 bases into the intron after coding-DNA position 1200, A replaced by G.
Molecular consequence: intron variant.
Genome position (GRCh38, 1-based): chr17:50,195,431, T>C on the plus strand (A>G on the coding strand, the complement: COL1A1 is on the minus strand). VCF-style: chr17-50195431-T-C. GRCh37 (hg19) VCF-style: chr17-48272792-T-C.
Identifiers: ClinVar variation 2830282 (VCV002830282.3), dbSNP rs1193600924, ClinGen allele CA500850880.
Genomic context (GRCh38, chr17:50,195,431, plus strand): 5'-AGGGAAAGGGGCAGGCAGGCTGCAGGCGGCAGGAGTGGGACTGAAGCCTGGCAGGATACT[T>C]ACATTGGCACCTTTAGCACCAGGCTGTCCATCAGCACCAGGGTTTCCCTGTGGCACAGAG-3'